The following is an entry in ClinVar:

NM_138713.4(NFAT5):c.1717G>A (p.Val573Met)

Gene: NFAT5 (nuclear factor of activated T cells 5; plus strand). Cytogenetic location: 16q22.1.
Variant type: single nucleotide variant.
Coding change: c.1717G>A on transcript NM_138713.4 (MANE Select); coding-DNA position 1717, G replaced by A.
Protein change: p.Val573Met; replaces valine 573 with methionine.
Molecular consequence: missense variant.
Genome position (GRCh38, 1-based): chr16:69,684,913, G>A. VCF-style: chr16-69684913-G-A. GRCh37 (hg19) VCF-style: chr16-69718816-G-A.
Other names: c.1042G>A, p.Val348Met (NM_001367709.1); c.1663G>A, p.Val555Met (NM_006599.4); c.1435G>A, p.Val479Met (NM_138714.4, NM_173214.3, NM_173215.3); c.1714G>A, p.Val572Met (NM_001113178.3); short protein forms V555M, V573M, V348M, V479M, V572M.
Identifiers: ClinVar variation 4779945 (VCV004779945.1).
Genomic context (GRCh38, chr16:69,684,913, plus strand): 5'-ATGTAGATAAATACATTAATCTTTTTTTTAATAGCAGCAGCTGGTGCTTTGAATGTAAAT[G>A]TGAAGAAGGAAATATCTAGTCCAGCAAGACCTTGCTCTTTTGAAGAGGCCATGAAAGGTA-3'
Protein context (NP_619727.2, residues 563-583): PAAAGALNVN[Val573Met]KKEISSPARP

ClinVar aggregate classification (germline): Uncertain significance (1 of 4 stars; one submission).

Conditions:
Immunodeficiency. Identifiers: MedGen C0021051, MONDO:0021094, HP:0002721.

Submission:

Labcorp Genetics (formerly Invitae), Labcorp
Classification: Uncertain significance for Immunodeficiency. Last evaluated: 2025-10-21. Review status: criteria provided, single submitter. Criteria: Invitae Variant Classification Sherloc (09022015). Collection method: clinical testing. Allele origin: germline.
Comment: This sequence change replaces valine, which is neutral and non-polar, with methionine, which is neutral and non-polar, at codon 479 of the NFAT5 protein (p.Val479Met). This variant is not present in population databases (gnomAD no frequency). This variant has not been reported in the literature in individuals affected with NFAT5-related conditions. An algorithm developed to predict the effect of missense changes on protein structure and function (PolyPhen-2) suggests that this variant is likely to be disruptive. In summary, the available evidence is currently insufficient to determine the role of this variant in disease. Therefore, it has been classified as a Variant of Uncertain Significance.